The following is an entry in ClinVar:

NM_170665.4(ATP2A2):c.1061G>A (p.Gly354Asp)

Gene: ATP2A2 (ATPase sarcoplasmic/endoplasmic reticulum Ca2+ transporting 2; plus strand). Cytogenetic location: 12q24.11.
Variant type: single nucleotide variant.
Coding change: c.1061G>A on transcript NM_170665.4 (MANE Select); coding-DNA position 1061, G replaced by A.
Protein change: p.Gly354Asp; replaces glycine 354 with aspartic acid.
Molecular consequence: missense variant.
Genome position (GRCh38, 1-based): chr12:110,327,983, G>A. VCF-style: chr12-110327983-G-A. GRCh37 (hg19) VCF-style: chr12-110765788-G-A.
Other names: c.956G>A, p.Gly319Asp (NM_001413013.1); c.1061G>A, p.Gly354Asp (NM_001413014.1, NM_001681.4); c.686G>A, p.Gly229Asp (NM_001413015.1); short protein forms G319D, G354D, G229D.
Identifiers: ClinVar variation 2838253 (VCV002838253.3), dbSNP rs2548553908, ClinGen allele CA386668838.

ClinVar aggregate classification (germline): Uncertain significance (1 of 4 stars; one submission).

Submission:

Labcorp Genetics (formerly Invitae), Labcorp
Classification: Uncertain significance. Last evaluated: 2023-02-16. Review status: criteria provided, single submitter. Criteria: Invitae Variant Classification Sherloc (09022015). Collection method: clinical testing. Allele origin: germline.
Comment: In summary, the available evidence is currently insufficient to determine the role of this variant in disease. Therefore, it has been classified as a Variant of Uncertain Significance. Advanced modeling of protein sequence and biophysical properties (such as structural, functional, and spatial information, amino acid conservation, physicochemical variation, residue mobility, and thermodynamic stability) performed at Invitae indicates that this missense variant is expected to disrupt ATP2A2 protein function. This variant has not been reported in the literature in individuals affected with ATP2A2-related conditions. This variant is not present in population databases (gnomAD no frequency). This sequence change replaces glycine, which is neutral and non-polar, with aspartic acid, which is acidic and polar, at codon 354 of the ATP2A2 protein (p.Gly354Asp).